The following is an entry in ClinVar:

NM_152594.3(SPRED1):c.967T>G (p.Ser323Ala)

Gene: SPRED1 (sprouty related EVH1 domain containing 1; plus strand). Cytogenetic location: 15q14.
Variant type: single nucleotide variant.
Coding change: c.967T>G on transcript NM_152594.3 (MANE Select); coding-DNA position 967, T replaced by G.
Protein change: p.Ser323Ala; replaces serine 323 with alanine.
Molecular consequence: missense variant.
Genome position (GRCh38, 1-based): chr15:38,351,296, T>G. VCF-style: chr15-38351296-T-G. GRCh37 (hg19) VCF-style: chr15-38643497-T-G.
Other names: short protein forms S323A.
Identifiers: ClinVar variation 2955689 (VCV002955689.3), dbSNP rs2542743286, ClinGen allele CA391933650.

ClinVar aggregate classification (germline): Uncertain significance (1 of 4 stars; one submission).

Conditions:
Legius syndrome. Identifiers: Orphanet 137605, MedGen C1969623, MONDO:0012669, OMIM 611431. Disease mechanism: loss of function.

Submission:

Labcorp Genetics (formerly Invitae), Labcorp
Classification: Uncertain significance for Legius syndrome. Last evaluated: 2023-02-14. Review status: criteria provided, single submitter. Criteria: Invitae Variant Classification Sherloc (09022015). Collection method: clinical testing. Allele origin: germline.
Comment: This sequence change replaces serine, which is neutral and polar, with alanine, which is neutral and non-polar, at codon 323 of the SPRED1 protein (p.Ser323Ala). This variant is not present in population databases (gnomAD no frequency). This variant has not been reported in the literature in individuals affected with SPRED1-related conditions. Advanced modeling of protein sequence and biophysical properties (such as structural, functional, and spatial information, amino acid conservation, physicochemical variation, residue mobility, and thermodynamic stability) performed at Invitae indicates that this missense variant is not expected to disrupt SPRED1 protein function. In summary, the available evidence is currently insufficient to determine the role of this variant in disease. Therefore, it has been classified as a Variant of Uncertain Significance.